The following is an entry in ClinVar:

NM_001854.4(COL11A1):c.2518C>G (p.Pro840Ala)

Gene: COL11A1 (collagen type XI alpha 1 chain; minus strand). Cytogenetic location: 1p21.1.
Variant type: single nucleotide variant.
Coding change: c.2518C>G on transcript NM_001854.4 (MANE Select); coding-DNA position 2518, C replaced by G.
Protein change: p.Pro840Ala; replaces proline 840 with alanine.
Molecular consequence: missense variant. On other transcripts: non-coding transcript variant (1).
Genome position (GRCh38, 1-based): chr1:102,984,176, G>C on the plus strand (C>G on the coding strand, the complement: COL11A1 is on the minus strand). VCF-style: chr1-102984176-G-C. GRCh37 (hg19) VCF-style: chr1-103449732-G-C.
Other names: c.2401C>G, p.Pro801Ala (NM_001190709.2); c.2554C>G, p.Pro852Ala (NM_080629.3); c.2170C>G, p.Pro724Ala (NM_080630.4); short protein forms P724A, P801A, P840A, P852A.
Identifiers: ClinVar variation 4744620 (VCV004744620.1).

ClinVar aggregate classification (germline): Uncertain significance (1 of 4 stars; one submission).

Submission:

Labcorp Genetics (formerly Invitae), Labcorp
Classification: Uncertain significance. Last evaluated: 2025-07-20. Review status: criteria provided, single submitter. Criteria: Invitae Variant Classification Sherloc (09022015). Collection method: clinical testing. Allele origin: germline.
Comment: This sequence change replaces proline, which is neutral and non-polar, with alanine, which is neutral and non-polar, at codon 840 of the COL11A1 protein (p.Pro840Ala). This variant is not present in population databases (gnomAD no frequency). This variant has not been reported in the literature in individuals affected with COL11A1-related conditions. Invitae Evidence Modeling of protein sequence and biophysical properties (such as structural, functional, and spatial information, amino acid conservation, physicochemical variation, residue mobility, and thermodynamic stability) has been performed for this missense variant. However, the output from this modeling did not meet the statistical confidence thresholds required to predict the impact of this variant on COL11A1 protein function. In summary, the available evidence is currently insufficient to determine the role of this variant in disease. Therefore, it has been classified as a Variant of Uncertain Significance.